The following is an entry in ClinVar:

NM_005228.5(EGFR):c.2005C>T (p.Arg669Ter)

Gene: EGFR (epidermal growth factor receptor; plus strand). Cytogenetic location: 7p11.2.
Variant type: single nucleotide variant.
Coding change: c.2005C>T on transcript NM_005228.5 (MANE Select); coding-DNA position 2005, C replaced by T.
Protein change: p.Arg669Ter; replaces arginine 669 with a stop codon.
Molecular consequence: nonsense.
Genome position (GRCh38, 1-based): chr7:55,173,068, C>T. VCF-style: chr7-55173068-C-T. GRCh37 (hg19) VCF-style: chr7-55240761-C-T.
Other names: c.1870C>T, p.Arg624Ter (NM_001346897.2, NM_001346899.2); c.2005C>T, p.Arg669Ter (NM_001346898.2); c.1846C>T, p.Arg616Ter (NM_001346900.2); c.1204C>T, p.Arg402Ter (NM_001346941.2); short protein forms R669*, R616*, R402*, R624*.
Identifiers: ClinVar variation 2746255 (VCV002746255.4), dbSNP rs1231769201, ClinGen allele CA367583112.

ClinVar aggregate classification (germline): Conflicting classifications of pathogenicity. Review status: criteria provided, conflicting classifications (1 of 4 stars). 2 submissions from 2 submitters: Pathogenic (1); Uncertain significance (1). Last evaluated 2026-04-22.

Conditions:
EGFR-related lung cancer (EGFR). Identifiers: MedGen CN130014.
Hereditary cancer-predisposing syndrome. Also called: Tumor predisposition; Hereditary neoplastic syndrome; Neoplastic Syndromes, Hereditary; Hereditary Cancer Syndrome. Identifiers: Orphanet 140162, MedGen C0027672, MeSH D009386, MONDO:0015356.

Allele frequency attached by ClinVar (database versions not stated): gnomAD exomes below 0.00001; gnomAD 0.00001.
gnomAD v4.1: 3 of 1,613,386 alleles (0.00019%); highest among the groups gnomAD compares: Non-Finnish European, 0.00017%; no homozygotes.

Submissions (2):

Ambry Genetics
Classification: Uncertain significance for Hereditary cancer-predisposing syndrome. Last evaluated: 2026-04-22. Review status: criteria provided, single submitter. Criteria: Ambry Variant Classification Scheme 2023. Collection method: clinical testing. Allele origin: germline.
Comment: The p.R669* variant (also known as c.2005C>T), located in coding exon 17 of the EGFR gene, results from a C to T substitution at nucleotide position 2005. This changes the amino acid from an arginine to a stop codon within coding exon 17. This alteration is expected to result in loss of function by premature protein truncation or nonsense-mediated mRNA decay. Although biallelic loss of function of EGFR are known to cause EGFR-related neonatal inflammatory skin and bowel disease, such associations with EGFR-related lung cancer have not been reported. Based on the supporting evidence, this variant is expected to be causative of EGFR-related neonatal inflammatory skin and bowel disease when present along with a second pathogenic variant on the other allele; however, its clinical significance for EGFR-related lung cancer is unclear.

Labcorp Genetics (formerly Invitae), Labcorp
Classification: Pathogenic for EGFR-related lung cancer. Last evaluated: 2024-05-15. Review status: criteria provided, single submitter. Criteria: Invitae Variant Classification Sherloc (09022015). Collection method: clinical testing. Allele origin: germline.
Comment: This sequence change creates a premature translational stop signal (p.Arg669*) in the EGFR gene. It is expected to result in an absent or disrupted protein product. Loss-of-function variants in EGFR are known to be pathogenic (PMID: 7630400, 28726809, 29899996). This variant is present in population databases (no rsID available, gnomAD 0.0009%). This variant has not been reported in the literature in individuals affected with EGFR-related conditions. For these reasons, this variant has been classified as Pathogenic.

Literature cited by the submitters: PubMed 7630400 (cited by Labcorp Genetics (formerly Invitae), Labcorp); PubMed 28726809 (cited by Labcorp Genetics (formerly Invitae), Labcorp); PubMed 29899996 (cited by Labcorp Genetics (formerly Invitae), Labcorp).